The following is an entry in ClinVar:

ClinVar aggregate classification (germline): Uncertain significance (1 of 4 stars; one submission).

Submission:

Labcorp Genetics (formerly Invitae), Labcorp
Classification: Uncertain significance. Last evaluated: 2022-07-23. Review status: criteria provided, single submitter. Criteria: Invitae Variant Classification Sherloc (09022015). Collection method: clinical testing. Allele origin: germline.
Comment: In summary, the available evidence is currently insufficient to determine the role of this variant in disease. Therefore, it has been classified as a Variant of Uncertain Significance. Algorithms developed to predict the effect of missense changes on protein structure and function are either unavailable or do not agree on the potential impact of this missense change (SIFT: "Not Available"; PolyPhen-2: "Probably Damaging"; Align-GVGD: "Not Available"). This variant has not been reported in the literature in individuals affected with SLC44A4-related conditions. This variant is not present in population databases (gnomAD no frequency). This sequence change replaces alanine, which is neutral and non-polar, with valine, which is neutral and non-polar, at codon 339 of the SLC44A4 protein (p.Ala339Val).

NM_025257.3(SLC44A4):c.1016C>T (p.Ala339Val)

Gene: SLC44A4 (solute carrier family 44 member 4; minus strand). Cytogenetic location: 6p21.33.
Variant type: single nucleotide variant.
Coding change: c.1016C>T on transcript NM_025257.3 (MANE Select); coding-DNA position 1016, C replaced by T.
Protein change: p.Ala339Val; replaces alanine 339 with valine.
Molecular consequence: missense variant.
Genome position (GRCh38, 1-based): chr6:31,870,624, G>A on the plus strand (C>T on the coding strand, the complement: SLC44A4 is on the minus strand). VCF-style: chr6-31870624-G-A. GRCh37 (hg19) VCF-style: chr6-31838401-G-A.
Other names: c.890C>T, p.Ala297Val (NM_001178044.2); c.788C>T, p.Ala263Val (NM_001178045.2); c.1016C>T, p.Ala339Val (NM_032794.1); short protein forms A339V, A263V, A297V.
Identifiers: ClinVar variation 2019261 (VCV002019261.4), dbSNP rs2481488245, ClinGen allele CA363370204.
Genomic context (GRCh38, chr6:31,870,624, plus strand): 5'-CTGTCCTCAACCCCATCTCCCTCCCAGGCAGGCCCTAACTTGCTGGCCTCCTTCAGGAGG[G>A]CGATGGCAATACGAATCCGCTGCCGCAGGAAGATGAGCATCAGCAGCAGGATGGCTTCAA-3'
Protein context (NP_079533.2, residues 329-349): FLRQRIRIAI[Ala339Val]LLKEASKAVG